The following is an entry in ClinVar:

ClinVar aggregate classification (germline): Pathogenic (1 of 4 stars; one submission).

Conditions:
Multiple congenital exostosis (EXT). Also called: Multiple exostoses; MULTIPLE CARTILAGINOUS EXOSTOSES; Hereditary multiple exostoses; Hereditary multiple exostosis; Multiple osteochondromas; Hereditary multiple osteochondromas. Identifiers: Orphanet 321, MedGen C0015306, MONDO:0005508, HP:0002762.

Submission:

Labcorp Genetics (formerly Invitae), Labcorp
Classification: Pathogenic for Multiple congenital exostosis. Last evaluated: 2025-09-01. Review status: criteria provided, single submitter. Criteria: Invitae Variant Classification Sherloc (09022015). Collection method: clinical testing. Allele origin: germline.
Comment: This sequence change creates a premature translational stop signal (p.Pro357Argfs*13) in the EXT1 gene. It is expected to result in an absent or disrupted protein product. Loss-of-function variants in EXT1 are known to be pathogenic (PMID: 10679937, 11391482, 19810120). This variant is not present in population databases (gnomAD no frequency). This variant has not been reported in the literature in individuals affected with EXT1-related conditions. For these reasons, this variant has been classified as Pathogenic.

Literature cited by the submitters: PubMed 10679937; PubMed 11391482; PubMed 19810120.

NM_000127.3(EXT1):c.1070_1076del (p.Pro357fs)

Gene: EXT1 (exostosin glycosyltransferase 1; minus strand). Cytogenetic location: 8q24.11.
Variant type: Deletion.
Coding change: c.1070_1076del on transcript NM_000127.3 (MANE Select); coding-DNA positions 1070 to 1076, 7 bases deleted (CTGTGAT; older notation c.1070_1076delCTGTGAT).
Protein change: p.Pro357fs; shifts the reading frame from proline 357.
Molecular consequence: frameshift variant.
Genome position (GRCh38, 1-based): chr8:117,835,532-117,835,538, ATCACAG deleted on the plus strand (CTGTGAT on the coding strand, the reverse complement: EXT1 is on the minus strand). VCF-style (leftmost placement, unchanged base first): chr8-117835531-CATCACAG-C. GRCh37 (hg19) VCF-style: chr8-118847770-CATCACAG-C.
Other names: short protein forms P357fs.
Identifiers: ClinVar variation 4726477 (VCV004726477.1).
Genomic context (GRCh38, chr8:117,835,531, plus strand): 5'-GACGGCAGCTTGGTTCCAATTAATCACTTCAGAGAATGGCAACTCCCATCCATTGCTGAG[CATCACAG>C]GGACGCAGGCAGCCTGAGCAAAAAAGGGGACTTCGTGAATGTGAGGAAAGCGACAGCAGA-3'